The following is an entry in ClinVar:

NC_000022.10:g.(?_29115363)_(29115493_?)del

Gene: CHEK2 (checkpoint kinase 2; minus strand). Cytogenetic location: 22q12.1.
Variant type: Deletion.
Identifiers: ClinVar variation 3247424 (VCV003247424.1).

ClinVar aggregate classification (germline): Pathogenic (1 of 4 stars; one submission).

Conditions:
Familial cancer of breast. Also called: BREAST CANCER, FAMILIAL; Hereditary breast cancer; hereditary breast carcinoma. Identifiers: Orphanet 227535, MedGen C0346153, MONDO:0016419, OMIM 114480. Disease mechanism: loss of function.

Submission:

Labcorp Genetics (formerly Invitae), Labcorp
Classification: Pathogenic for Familial cancer of breast. Last evaluated: 2024-01-15. Review status: criteria provided, single submitter. Criteria: Invitae Variant Classification Sherloc (09022015). Collection method: clinical testing. Allele origin: unknown.
Comment: This variant is a gross deletion of the genomic region encompassing exon(s) 5 of the CHEK2 gene. This deletion is out-of-frame, and is expected to create a premature termination codon and result in an absent or disrupted protein product. Loss-of-function variants in CHEK2 are known to be pathogenic (PMID: 21876083, 24713400). This variant has not been reported in the literature in individuals affected with CHEK2-related conditions. For these reasons, this variant has been classified as Pathogenic.

Literature cited by the submitters: PubMed 21876083; PubMed 24713400.